The following is an entry in ClinVar:

ClinVar aggregate classification (germline): Uncertain significance (1 of 4 stars; one submission).

Conditions:
Emery-Dreifuss muscular dystrophy 5, autosomal dominant (EDMD5). Also called: EMERY-DREIFUSS MUSCULAR DYSTROPHY 5. Identifiers: Orphanet 261, MedGen C2751805, MONDO:0013072, OMIM 612999.

Allele frequency attached by ClinVar (database versions not stated): gnomAD exomes 0.00001; TOPMed 0.00001.
gnomAD v4.1: 11 of 1,613,264 alleles (0.00068%); highest among the groups gnomAD compares: Non-Finnish European, 0.00068%; no homozygotes.

Submission:

Labcorp Genetics (formerly Invitae), Labcorp
Classification: Uncertain significance for Emery-Dreifuss muscular dystrophy 5, autosomal dominant. Last evaluated: 2022-04-26. Review status: criteria provided, single submitter. Criteria: Invitae Variant Classification Sherloc (09022015). Collection method: clinical testing. Allele origin: germline.
Comment: This sequence change replaces threonine, which is neutral and polar, with proline, which is neutral and non-polar, at codon 908 of the SYNE2 protein (p.Thr908Pro). This variant is present in population databases (no rsID available, gnomAD 0.0009%). This variant has not been reported in the literature in individuals affected with SYNE2-related conditions. Algorithms developed to predict the effect of missense changes on protein structure and function output the following: SIFT: "Tolerated"; PolyPhen-2: "Benign"; Align-GVGD: "Class C0". The proline amino acid residue is found in multiple mammalian species, which suggests that this missense change does not adversely affect protein function. In summary, the available evidence is currently insufficient to determine the role of this variant in disease. Therefore, it has been classified as a Variant of Uncertain Significance.

NM_182914.3(SYNE2):c.2722A>C (p.Thr908Pro)

Gene: SYNE2 (spectrin repeat containing nuclear envelope protein 2; plus strand). Cytogenetic location: 14q23.2.
Variant type: single nucleotide variant.
Coding change: c.2722A>C on transcript NM_182914.3 (MANE Select); coding-DNA position 2722, A replaced by C.
Protein change: p.Thr908Pro; replaces threonine 908 with proline.
Molecular consequence: missense variant.
Genome position (GRCh38, 1-based): chr14:63,993,910, A>C. VCF-style: chr14-63993910-A-C. GRCh37 (hg19) VCF-style: chr14-64460628-A-C.
Other names: c.2722A>C, p.Thr908Pro (NM_015180.6); short protein forms T908P.
Identifiers: ClinVar variation 1902800 (VCV001902800.5), dbSNP rs933436149, ClinGen allele CA261840391.